The following is an entry in ClinVar:

ClinVar aggregate classification (germline): Pathogenic (1 of 4 stars; one submission).

Conditions:
Glycine encephalopathy. Also called: Nonketotic hyperglycinemia; Non-ketotic hyperglycinemia. Identifiers: Orphanet 407, MedGen C0751748, MONDO:0011612, HP:0008288.

Submission:

Labcorp Genetics (formerly Invitae), Labcorp
Classification: Pathogenic for Glycine encephalopathy. Last evaluated: 2023-04-28. Review status: criteria provided, single submitter. Criteria: Invitae Variant Classification Sherloc (09022015). Collection method: clinical testing. Allele origin: germline.
Comment: For these reasons, this variant has been classified as Pathogenic. ClinVar contains an entry for this variant (Variation ID: 2073847). This variant has not been reported in the literature in individuals affected with AMT-related conditions. This variant is not present in population databases (gnomAD no frequency). This sequence change creates a premature translational stop signal (p.Ala4Leufs*2) in the AMT gene. It is expected to result in an absent or disrupted protein product. Loss-of-function variants in AMT are known to be pathogenic (PMID: 16450403).

Literature cited by the submitters: PubMed 16450403.

NM_000481.4(AMT):c.10del (p.Ala4fs)

Genes: AMT (aminomethyltransferase; minus strand), NICN1 (nicolin 1, tubulin polyglutamylase complex subunit; minus strand). Cytogenetic location: 3p21.31.
Variant type: Deletion.
Coding change: c.10del on transcript NM_000481.4 (MANE Select); coding-DNA position 10, one base deleted (G; older notation c.10delG).
Protein change: p.Ala4fs; shifts the reading frame from alanine 4.
Molecular consequence: frameshift variant. On other transcripts: non-coding transcript variant (1), 3 prime UTR variant (1).
Genome position (GRCh38, 1-based): chr3:49,422,441, C deleted on the plus strand (G on the coding strand, the reverse complement: AMT is on the minus strand); the first of 3 consecutive C bases (chr3:49,422,441-49,422,443); deleting any one gives the same sequence. VCF-style (leftmost placement, unchanged base first): chr3-49422440-GC-G. GRCh37 (hg19) VCF-style: chr3-49459873-GC-G.
Other names: c.10del, p.Ala4fs (NM_001164710.2, NM_001164711.2, NM_001164712.2); c.*2392del (NM_032316.3); short protein forms A4fs.
Identifiers: ClinVar variation 2073847 (VCV002073847.4), dbSNP rs2471162355, ClinGen allele CA2580070108.